The following is an entry in ClinVar:

ClinVar aggregate classification (germline): Likely benign. Review status: criteria provided, multiple submitters, no conflicts (2 of 4 stars). 3 submissions from 3 submitters: Likely benign (3). Last evaluated 2023-05-16.

Conditions:
Familial thoracic aortic aneurysm and aortic dissection (TAAD). Also called: Thoracic aortic aneurysms and dissections. Identifiers: Orphanet 91387, MedGen C4707243, MONDO:0019625.
Marfan syndrome (MFS). Also called: Marfan syndrome, classic; Marfan syndrome type 1; Marfan's syndrome; FBN1-Related Marfan Syndrome; MARFAN SYNDROME, TYPE I. Identifiers: Orphanet 284963, Orphanet 558, MedGen C0024796, MONDO:0007947, OMIM 154700.

Allele frequency attached by ClinVar (database versions not stated): ExAC 0.00001; gnomAD 0.00002; gnomAD exomes below 0.00001; TOPMed 0.00001.
gnomAD v4.1: 5 of 1,614,080 alleles (0.00031%); highest among the groups gnomAD compares: African/African-American, 0.0053%; no homozygotes.

Submissions (3):

All of Us Research Program, National Institutes of Health
Classification: Likely benign for Marfan syndrome. Last evaluated: 2023-05-16. Review status: criteria provided, single submitter. Criteria: ACMG Guidelines, 2015. Collection method: clinical testing. Allele origin: germline. Inheritance: Autosomal dominant inheritance. Observed: 1 variant allele, 1 heterozygote.
Comment: This study involves interpretation of variants in research participants for the purpose of population health screening. Participant phenotype was not available at the time of variant classification. Additional details can be found in publication PMID: 35346344, PMCID: PMC8962531

Blueprint Genetics
Classification: Likely benign. Last evaluated: 2021-06-21. Review status: criteria provided, single submitter. Criteria: ACMG Guidelines, 2015. Collection method: clinical testing. Allele origin: germline.

Color Diagnostics, LLC DBA Color Health
Classification: Likely benign for Familial thoracic aortic aneurysm and aortic dissection. Last evaluated: 2018-10-30. Review status: criteria provided, single submitter. Criteria: ACMG Guidelines, 2015. Collection method: clinical testing. Allele origin: germline.

NM_000138.5(FBN1):c.3504T>C (p.Asn1168=)

Gene: FBN1 (fibrillin 1; minus strand). Cytogenetic location: 15q21.1.
Variant type: single nucleotide variant.
Coding change: c.3504T>C on transcript NM_000138.5 (MANE Select); coding-DNA position 3504, T replaced by C.
Protein change: p.Asn1168=; no amino-acid change (asparagine 1168 retained).
Molecular consequence: synonymous variant.
Genome position (GRCh38, 1-based): chr15:48,487,160, A>G on the plus strand (T>C on the coding strand, the complement: FBN1 is on the minus strand). VCF-style: chr15-48487160-A-G. GRCh37 (hg19) VCF-style: chr15-48779357-A-G.
Identifiers: ClinVar variation 925456 (VCV000925456.4), dbSNP rs768688637, ClinGen allele CA050975.